The following is an entry in ClinVar:

NM_001371986.1(UNC80):c.7435del (p.Tyr2479fs)

Gene: UNC80 (unc-80 subunit of NALCN channel complex; plus strand). Cytogenetic location: 2q34.
Variant type: Deletion.
Coding change: c.7435del on transcript NM_001371986.1 (MANE Select); coding-DNA position 7435, one base deleted (T; older notation c.7435delT).
Protein change: p.Tyr2479fs; shifts the reading frame from tyrosine 2479.
Molecular consequence: frameshift variant.
Genome position (GRCh38, 1-based): chr2:209,954,248, T deleted. VCF-style (leftmost placement, unchanged base first): chr2-209954247-GT-G. GRCh37 (hg19) VCF-style: chr2-210818971-GT-G.
Other names: c.7237del, p.Tyr2413fs (NM_032504.2); c.7222del, p.Tyr2408fs (NM_182587.4); short protein forms Y2408fs, Y2413fs, Y2479fs.
Identifiers: ClinVar variation 1712282 (VCV001712282.1), dbSNP rs2471194994, ClinGen allele CA1139771673.
Genomic context (GRCh38, chr2:209,954,247, plus strand): 5'-TGCTGCCCGAGAGGAGATTGCGGCCACTGCTGCTCTTGCGACGTCCCTACAGGCCCTTTT[GT>G]ACAGTGTAGAGGTCCTCACCAGGTAATCCCATTGGCAGAAATAGCTACAGCCTTACATCA-3'

ClinVar aggregate classification (germline): Likely pathogenic (1 of 4 stars; one submission).

Conditions:
Hypotonia, infantile, with psychomotor retardation and characteristic facies 2 (IHPRF2). Also called: UNC80 Deficiency. Identifiers: Orphanet 371364, Orphanet 700333, MedGen C4225203, MONDO:0014777, OMIM 616801.

Submission:

UNC Molecular Genetics  Laboratory, University of North Carolina at Chapel Hill
Classification: Likely pathogenic for Hypotonia, infantile, with psychomotor retardation and characteristic facies 2. Last evaluated: 2021-06-02. Review status: criteria provided, single submitter. Criteria: ACMG Guidelines, 2015. Collection method: research. Allele origin: unknown. Observed: 1 variant allele. Study: CSER_NCGENES_2.
Comment: The UNC80 c.7435del p.(Tyr2479fs) frameshift variant results in a premature termination codon in exon 48 of 65 of the encoded transcript, which is predicted to lead to nonsense-mediated decay and loss of function. To our knowledge, this variant has not been reported in affected individuals in the literature. This variant is absent from gnomAD. Three frameshift variants downstream of this variant have been reported as likely pathogenic or pathogenic in ClinVar. Given the available evidence, this variant is classified as likely pathogenic.